The following is an entry in ClinVar:

NM_006846.4(SPINK5):c.1156G>A (p.Asp386Asn)

Gene: SPINK5 (serine peptidase inhibitor Kazal type 5; plus strand). Cytogenetic location: 5q32.
Variant type: single nucleotide variant.
Coding change: c.1156G>A on transcript NM_006846.4 (MANE Select); coding-DNA position 1156, G replaced by A.
Protein change: p.Asp386Asn; replaces aspartic acid 386 with asparagine.
Molecular consequence: missense variant.
Genome position (GRCh38, 1-based): chr5:148,100,517, G>A. VCF-style: chr5-148100517-G-A. GRCh37 (hg19) VCF-style: chr5-147480080-G-A.
Other names: p.D386N:GAT>AAT; c.1156G>A, p.Asp386Asn (NM_001127698.2, NM_001127699.2); short protein forms D386N.
Identifiers: ClinVar variation 139258 (VCV000139258.25), dbSNP rs2303064, ClinGen allele CA293696.
Genomic context (GRCh38, chr5:148,100,517, plus strand): 5'-CTTTGCAGTGAATATCGAAAGCTTGTGAGGAACGGAAAACTTGCTTGCACCAGAGAGAAC[G>A]ATCCTATCCAGGGCCCAGATGGGAAAGTGCATGGCAACACCTGCTCCATGTGTGAGGTCT-3'
Protein context (NP_006837.2, residues 376-396): NGKLACTREN[Asp386Asn]PIQGPDGKVH

ClinVar aggregate classification (germline): Benign/Likely benign. Review status: criteria provided, multiple submitters, no conflicts (2 of 4 stars). 10 submissions from 10 submitters: Benign (9); Likely benign (1). Last evaluated 2026-02-04.

Conditions:
Ichthyosis linearis circumflexa. Identifiers: MedGen C0265962, MONDO:0043106, HP:0025810.
Netherton syndrome (NETH). Also called: ERYTHRODERMA, ICHTHYOSIFORM, WITH HYPOTRICHOSIS AND HYPER-IgE; COMEL-NETHERTON SYNDROME; NETHERTON DISEASE. Identifiers: Orphanet 634, MedGen C5574950, MONDO:0009735, OMIM 256500.

Allele frequency attached by ClinVar (database versions not stated): gnomAD exomes 0.14986 and 0.20441; ExAC 0.21190; ESP Exome Variant Server 0.23171; gnomAD 0.24722 and 0.25071; TOPMed 0.25864; 1000 Genomes Project 0.34824; 1000 Genomes Project 30x 0.35025.
gnomAD v4.1: 258,454 of 1,612,950 alleles (16%); highest among the groups gnomAD compares: African/African-American, 50%; 30,769 homozygotes.

Submissions (10):

Labcorp Genetics (formerly Invitae), Labcorp
Classification: Benign for Ichthyosis linearis circumflexa. Last evaluated: 2026-02-04. Review status: criteria provided, single submitter. Criteria: Invitae Variant Classification Sherloc (09022015). Collection method: clinical testing. Allele origin: germline.

Women's Health and Genetics/Laboratory Corporation of America, LabCorp
Classification: Likely benign. Last evaluated: 2026-01-21. Review status: criteria provided, single submitter. Criteria: LabCorp Variant Classification Summary - May 2015. Collection method: clinical testing. Allele origin: germline.

Blueprint Genetics
Classification: Benign. Last evaluated: 2024-11-26. Review status: criteria provided, single submitter. Criteria: ACMG Guidelines, 2015. Collection method: clinical testing. Allele origin: germline.

Unidad de Genómica Garrahan, Hospital de Pediatría Garrahan
Classification: Benign. Last evaluated: 2024-01-24. Review status: criteria provided, single submitter. Criteria: ACMG Guidelines, 2015. Collection method: clinical testing. Allele origin: germline. Affected: no. Observed: 20 variant alleles.
Comment: This variant is classified as Benign based on local population frequency. This variant was detected in 23% of patients studied by a panel of primary immunodeficiencies. Number of patients: 20. Only high quality variants are reported.

Genome-Nilou Lab
Classification: Benign for Netherton syndrome. Last evaluated: 2021-07-15. Review status: criteria provided, single submitter. Criteria: ACMG Guidelines, 2015. Collection method: clinical testing. Allele origin: germline. Affected: no.

Mayo Clinic Laboratories, Mayo Clinic
Classification: Benign. Last evaluated: 2019-08-01. Review status: criteria provided, single submitter. Criteria: ACMG Guidelines, 2015. Collection method: clinical testing. Allele origin: germline. Observed: 46 variant alleles.

Illumina Laboratory Services, Illumina
Classification: Benign for Netherton syndrome. Last evaluated: 2018-01-13. Review status: criteria provided, single submitter. Criteria: ICSL Variant Classification Criteria 13 December 2019. Collection method: clinical testing. Allele origin: germline.
Comment: This variant was observed in the ICSL laboratory as part of a predisposition screen in an ostensibly healthy population. It had not been previously curated by ICSL or reported in the Human Gene Mutation Database (HGMD: prior to June 1st, 2018), and was therefore a candidate for classification through an automated scoring system. Utilizing variant allele frequency, disease prevalence and penetrance estimates, and inheritance mode, an automated score was calculated to assess if this variant is too frequent to cause the disease. Based on the score and internal cut-off values, a variant classified as benign is not then subjected to further curation. The score for this variant resulted in a classification of benign for this disease.

Laboratory for Molecular Medicine, Mass General Brigham Personalized Medicine
Classification: Benign. Last evaluated: 2016-03-28. Review status: criteria provided, single submitter. Criteria: LMM Criteria. Collection method: clinical testing. Allele origin: germline.
Comment: Variant identified in a genome or exome case(s) and assessed due to predicted null impact of the variant or pathogenic assertions in the literature or databases. Disclaimer: This variant has not undergone full assessment. The following are preliminary notes: Frequency

GeneDx
Classification: Benign. Last evaluated: 2014-03-06. Review status: criteria provided, single submitter. Criteria: GeneDx Variant Classification (06012015). Collection method: clinical testing. Allele origin: germline. Affected: yes.
Comment: This variant is considered likely benign or benign based on one or more of the following criteria: it is a conservative change, it occurs at a poorly conserved position in the protein, it is predicted to be benign by multiple in silico algorithms, and/or has population frequency not consistent with disease.

PreventionGenetics, part of Exact Sciences
Classification: Benign. Review status: criteria provided, single submitter. Criteria: ACMG Guidelines, 2015. Collection method: clinical testing. Allele origin: germline.